The following is an entry in ClinVar:

NM_182961.4(SYNE1):c.15439-256A>G

Gene: SYNE1 (spectrin repeat containing nuclear envelope protein 1; minus strand). Cytogenetic location: 6q25.2.
Variant type: single nucleotide variant.
Coding change: c.15439-256A>G on transcript NM_182961.4 (MANE Select); 256 bases into the intron before coding-DNA position 15439, A replaced by G.
Molecular consequence: intron variant.
Genome position (GRCh38, 1-based): chr6:152,325,558, T>C on the plus strand (A>G on the coding strand, the complement: SYNE1 is on the minus strand). VCF-style: chr6-152325558-T-C. GRCh37 (hg19) VCF-style: chr6-152646693-T-C.
Other names: c.15226-256A>G (NM_033071.5).
Identifiers: ClinVar variation 683952 (VCV000683952.1), dbSNP rs9479294, ClinGen allele CA150171287.

ClinVar aggregate classification (germline): Benign (1 of 4 stars; one submission).

Allele frequency attached by ClinVar (database versions not stated): TOPMed 0.41782 and 0.40016; gnomAD 0.41456; 1000 Genomes Project 0.34405.
gnomAD v4.1: 63,047 of 151,994 alleles (41%); highest among the groups gnomAD compares: Admixed American, 56%; 13,762 homozygotes.

Submission:

GeneDx
Classification: Benign. Last evaluated: 2018-06-18. Review status: criteria provided, single submitter. Criteria: GeneDx Variant Classification (06012015). Collection method: clinical testing. Allele origin: germline. Affected: yes.
Comment: This variant is considered likely benign or benign based on one or more of the following criteria: it is a conservative change, it occurs at a poorly conserved position in the protein, it is predicted to be benign by multiple in silico algorithms, and/or has population frequency not consistent with disease.